The following is an entry in ClinVar:

ClinVar aggregate classification (germline): Likely benign (0 of 4 stars; one submission).

Conditions:
LUZP4-related disorder. Also called: LUZP4-related condition.

Submission:

PreventionGenetics, part of Exact Sciences
Classification: Likely benign for LUZP4-related condition. Last evaluated: 2022-11-30. Review status: no assertion criteria provided. Collection method: clinical testing. Allele origin: germline.
Comment: This variant is classified as likely benign based on ACMG/AMP sequence variant interpretation guidelines (Richards et al. 2015 PMID: 25741868, with internal and published modifications).

NM_016383.5(LUZP4):c.770_790del (p.Lys257_Gln263del)

Gene: LUZP4 (leucine zipper protein 4; plus strand). Cytogenetic location: Xq23.
Variant type: Deletion.
Coding change: c.770_790del on transcript NM_016383.5 (MANE Select); coding-DNA positions 770 to 790, 21 bases deleted (AAGATCTCATAGCCACTCAGA).
Protein change: p.Lys257_Gln263del.
Genome position (GRCh38, 1-based): chrX:115,306,632-115,306,652, AAGATCTCATAGCCACTCAGA deleted; deleting any 21 consecutive bases within chrX:115,306,612-115,306,652 gives the same sequence; the c. name uses the placement nearest the transcript's 3' end. VCF-style (leftmost placement, unchanged base first): chrX-115306611-GAGATCTCATAGCCACTCAGAA-G. GRCh37 (hg19) VCF-style: chrX-114541176-GAGATCTCATAGCCACTCAGAA-G.
Other names: c.524_544del, p.Lys175_Gln181del (NM_001318840.2).
Identifiers: ClinVar variation 3050593 (VCV003050593.2), dbSNP rs782525681, ClinGen allele CA10496756.